The following is an entry in ClinVar:

ClinVar aggregate classification (germline): Likely benign. Review status: criteria provided, multiple submitters, no conflicts (2 of 4 stars). 3 submissions from 3 submitters: Likely benign (3). Last evaluated 2026-06-01.

Conditions:
Generalized epilepsy with febrile seizures plus, type 7 (GEFSP7). Also called: GEFS+, TYPE 7. Identifiers: Orphanet 36387, MedGen C2751778, MONDO:0013470, OMIM 613863.
Neuropathy, hereditary sensory and autonomic, type 2A (HSAN2A). Also called: WNK1-Related HSAN2 (HSAN2A); ACROOSTEOLYSIS, GIACCAI TYPE; ACROOSTEOLYSIS, NEUROGENIC; MORVAN DISEASE; NEUROPATHY, CONGENITAL SENSORY; NEUROPATHY, HEREDITARY SENSORY RADICULAR, AUTOSOMAL RECESSIVE. Identifiers: Orphanet 970, MedGen C2752089, MONDO:0024309, OMIM 201300.

Allele frequency attached by ClinVar (database versions not stated): gnomAD 0.00001; gnomAD exomes 0.00001 and 0.00002; TOPMed 0.00001; ExAC 0.00005.
gnomAD v4.1: 21 of 1,566,224 alleles (0.0013%); highest among the groups gnomAD compares: Middle Eastern, 0.017%; no homozygotes.

Submissions (3):

CeGaT Center for Human Genetics Tuebingen
Classification: Likely benign. Last evaluated: 2026-06-01. Review status: criteria provided, single submitter. Criteria: CeGaT Center For Human Genetics Tuebingen Variant Classification Criteria Version 2. Collection method: clinical testing. Allele origin: germline. Affected: yes. Observed: 1 variant allele.
Comment: SCN9A: BP4, BP7

Mayo Clinic Laboratories, Mayo Clinic
Classification: Likely benign. Last evaluated: 2025-10-10. Review status: criteria provided, single submitter. Criteria: ACMG Guidelines, 2015. Collection method: clinical testing. Allele origin: germline. Observed: 1 variant allele.
Comment: BP4, BP7

Labcorp Genetics (formerly Invitae), Labcorp
Classification: Likely benign for Neuropathy, hereditary sensory and autonomic, type 2A; Generalized epilepsy with febrile seizures plus, type 7. Last evaluated: 2025-06-30. Review status: criteria provided, single submitter. Criteria: Invitae Variant Classification Sherloc (09022015). Collection method: clinical testing. Allele origin: germline.

NM_001365536.1(SCN9A):c.4275C>A (p.Pro1425=)

Genes: SCN1A-AS1 (SCN1A and SCN9A antisense RNA 1; plus strand), SCN9A (sodium voltage-gated channel alpha subunit 9; minus strand). Cytogenetic location: 2q24.3.
Variant type: single nucleotide variant.
Coding change: c.4275C>A on transcript NM_001365536.1 (MANE Select); coding-DNA position 4275, C replaced by A.
Protein change: p.Pro1425=; no amino-acid change (proline 1425 retained).
Molecular consequence: synonymous variant.
Genome position (GRCh38, 1-based): chr2:166,226,690, G>T on the plus strand (C>A on the coding strand, the complement: SCN9A is on the minus strand). VCF-style: chr2-166226690-G-T. GRCh37 (hg19) VCF-style: chr2-167083200-G-T.
Other names: p.Pro1414=; c.4242C>A, p.Pro1414= (NM_002977.4).
Identifiers: ClinVar variation 759012 (VCV000759012.13), dbSNP rs202040787, ClinGen allele CA1943902.
Genomic context (GRCh38, chr2:166,226,690, plus strand): 5'-TGACCCAAAGATGATAAAGACGACAAAATAAATATACATGTAGAGGCTATATTCATATTT[G>T]GGCTGCTTGTCTACCTATAAAATTTACAAAAGTTAGCATTATATGGACAGTAACATTCAT-3'
Protein context (NP_001352465.1, residues 1415-1435): AVDSVNVDKQ[Pro1425=]KYEYSLYMYI